The following is an entry in ClinVar:

NM_000276.4(OCRL):c.1222C>T (p.Gln408Ter)

Gene: OCRL (OCRL inositol polyphosphate-5-phosphatase; plus strand). Cytogenetic location: Xq26.1.
Variant type: single nucleotide variant.
Coding change: c.1222C>T on transcript NM_000276.4 (MANE Select); coding-DNA position 1222, C replaced by T.
Protein change: p.Gln408Ter; replaces glutamine 408 with a stop codon.
Molecular consequence: nonsense.
Genome position (GRCh38, 1-based): chrX:129,562,764, C>T. VCF-style: chrX-129562764-C-T. GRCh37 (hg19) VCF-style: chrX-128696741-C-T.
Other names: c.1225C>T, p.Gln409Ter (NM_001318784.2); c.1222C>T, p.Gln408Ter (NM_001587.4); short protein forms Q409*, Q408*.
Identifiers: ClinVar variation 2138717 (VCV002138717.4), dbSNP rs2521890405, ClinGen allele CA414553095.

ClinVar aggregate classification (germline): Pathogenic (1 of 4 stars; one submission).

Conditions:
Lowe syndrome (OCRL). Also called: Oculocerebrorenal Syndrome; LOWE OCULOCEREBRORENAL SYNDROME; PHOSPHATIDYLINOSITOL 4,5-BISPHOSPHATE 5-PHOSPHATASE DEFICIENCY. Identifiers: Orphanet 534, MedGen C0028860, MONDO:0010645, OMIM 309000.

Submission:

Labcorp Genetics (formerly Invitae), Labcorp
Classification: Pathogenic for Lowe syndrome. Last evaluated: 2022-05-20. Review status: criteria provided, single submitter. Criteria: Invitae Variant Classification Sherloc (09022015). Collection method: clinical testing. Allele origin: germline.
Comment: This variant is not present in population databases (gnomAD no frequency). For these reasons, this variant has been classified as Pathogenic. This variant is also known as p.Gln391*. This premature translational stop signal has been observed in individual(s) with Lowe syndrome (PMID: 9788721). This sequence change creates a premature translational stop signal (p.Gln408*) in the OCRL gene. It is expected to result in an absent or disrupted protein product. Loss-of-function variants in OCRL are known to be pathogenic (PMID: 19390221, 21031565, 22381590).

Literature cited by the submitters: PubMed 9788721; PubMed 19390221; PubMed 21031565; PubMed 22381590.